The following is an entry in ClinVar:

ClinVar aggregate classification (germline): Uncertain significance (1 of 4 stars; one submission).

Conditions:
STING-associated vasculopathy with onset in infancy. Also called: Sting-associated vasculopathy, infantile-onset. Identifiers: Orphanet 425120, MedGen C4014722, MONDO:0014405, OMIM 615934.

Allele frequency attached by ClinVar (database versions not stated): TOPMed below 0.00001; gnomAD 0.00001; gnomAD exomes below 0.00001; ExAC 0.00001.

Submission:

Labcorp Genetics (formerly Invitae), Labcorp
Classification: Uncertain significance for STING-associated vasculopathy with onset in infancy. Last evaluated: 2020-03-04. Review status: criteria provided, single submitter. Criteria: Invitae Variant Classification Sherloc (09022015). Collection method: clinical testing. Allele origin: germline.
Comment: This sequence change affects the initiator methionine of the TMEM173 mRNA. The next in-frame methionine is located at codon 120. In summary, the available evidence is currently insufficient to determine the role of this variant in disease. Therefore, it has been classified as a Variant of Uncertain Significance. Experimental studies and prediction algorithms are not available or were not evaluated, and the functional significance of this variant is currently unknown. This variant has not been reported in the literature in individuals with TMEM173-related conditions. This variant is present in population databases (rs754838823, ExAC 0.01%).

NM_198282.4(STING1):c.2T>C (p.Met1Thr)

Gene: STING1 (stimulator of interferon response cGAMP interactor 1; minus strand). Cytogenetic location: 5q31.2.
Variant type: single nucleotide variant.
Coding change: c.2T>C on transcript NM_198282.4 (MANE Select); coding-DNA position 2, T replaced by C.
Protein change: p.Met1Thr; changes the start codon (methionine 1).
Molecular consequence: missense variant, initiator codon variant. On other transcripts: intron variant (1).
Genome position (GRCh38, 1-based): chr5:139,481,703, A>G on the plus strand (T>C on the coding strand, the complement: STING1 is on the minus strand). VCF-style: chr5-139481703-A-G. GRCh37 (hg19) VCF-style: chr5-138861288-A-G.
Other names: c.2T>C, p.Met1Thr (NM_001301738.2); c.-130-361T>C (NM_001367258.1); short protein forms M1T.
Identifiers: ClinVar variation 1009095 (VCV001009095.10), dbSNP rs754838823, ClinGen allele CA3435519.
Genomic context (GRCh38, chr5:139,481,703, plus strand): 5'-GCCTTCTGGGCCCCGTGACCCCTGGGACACGGGATGGATGGATGCAGGCTGGAGTGGGGC[A>G]TCTGTGGGCACCAAGAAATCCATGACCATTCTCCCCTTGCCCTCCTGCCCTTCTGGGACT-3'
Protein context (NP_938023.1, residues 1-11): [Met1Thr]PHSSLHPSIP